The following is an entry in ClinVar:

ClinVar aggregate classification (germline): Uncertain significance (1 of 4 stars; one submission).

Allele frequency attached by ClinVar (database versions not stated): TOPMed below 0.00001.
gnomAD v4.1: 4 of 1,613,078 alleles (0.00025%); highest among the groups gnomAD compares: South Asian, 0.0011%; no homozygotes.

Submission:

CeGaT Center for Human Genetics Tuebingen
Classification: Uncertain significance. Last evaluated: 2023-03-01. Review status: criteria provided, single submitter. Criteria: CeGaT Center For Human Genetics Tuebingen Variant Classification Criteria Version 2. Collection method: clinical testing. Allele origin: germline. Affected: yes. Observed: 2 variant alleles.
Comment: MTOR: PP2

NM_004958.4(MTOR):c.3404C>T (p.Ala1135Val)

Gene: MTOR (mechanistic target of rapamycin kinase; minus strand). Cytogenetic location: 1p36.22.
Variant type: single nucleotide variant.
Coding change: c.3404C>T on transcript NM_004958.4 (MANE Select); coding-DNA position 3404, C replaced by T.
Protein change: p.Ala1135Val; replaces alanine 1135 with valine.
Molecular consequence: missense variant.
Genome position (GRCh38, 1-based): chr1:11,212,469, G>A on the plus strand (C>T on the coding strand, the complement: MTOR is on the minus strand). VCF-style: chr1-11212469-G-A. GRCh37 (hg19) VCF-style: chr1-11272526-G-A.
Other names: c.3404C>T, p.Ala1135Val (NM_001386500.1); c.2156C>T, p.Ala719Val (NM_001386501.1); short protein forms A1135V, A719V.
Identifiers: ClinVar variation 1711210 (VCV001711210.30), dbSNP rs1646342863, ClinGen allele CA338373471.